The following is an entry in ClinVar:

ClinVar aggregate classification (germline): Uncertain significance (1 of 4 stars; one submission).

Conditions:
Hereditary cancer-predisposing syndrome. Also called: Neoplastic Syndromes, Hereditary; Tumor predisposition; Hereditary Cancer Syndrome; Hereditary neoplastic syndrome. Identifiers: Orphanet 140162, MedGen C0027672, MeSH D009386, MONDO:0015356.

Submission:

Ambry Genetics
Classification: Uncertain significance for Hereditary cancer-predisposing syndrome. Last evaluated: 2026-03-31. Review status: criteria provided, single submitter. Criteria: Ambry Variant Classification Scheme 2023. Collection method: clinical testing. Allele origin: germline.
Comment: The p.S661R variant (also known as c.1981A>C), located in coding exon 7 of the MET gene, results from an A to C substitution at nucleotide position 1981. The serine at codon 661 is replaced by arginine, an amino acid with dissimilar properties. This amino acid position is well conserved in available vertebrate species. In addition, the in silico prediction for this alteration is inconclusive. Based on the available evidence, the clinical significance of this variant remains unclear.

NM_000245.4(MET):c.1981A>C (p.Ser661Arg)

Gene: MET (MET proto-oncogene, receptor tyrosine kinase; plus strand). Cytogenetic location: 7q31.2.
Variant type: single nucleotide variant.
Coding change: c.1981A>C on transcript NM_000245.4 (MANE Select); coding-DNA position 1981, A replaced by C.
Protein change: p.Ser661Arg; replaces serine 661 with arginine.
Molecular consequence: missense variant.
Genome position (GRCh38, 1-based): chr7:116,757,653, A>C. VCF-style: chr7-116757653-A-C. GRCh37 (hg19) VCF-style: chr7-116397707-A-C.
Other names: c.1981A>C, p.Ser661Arg (NM_001127500.3, NM_001324401.3); c.691A>C, p.Ser231Arg (NM_001324402.2); short protein forms S231R, S661R.
Identifiers: ClinVar variation 4859952 (VCV004859952.1).